The following is an entry in ClinVar:

NM_001605.3(AARS1):c.1514C>T (p.Thr505Met)

Gene: AARS1 (alanyl-tRNA synthetase 1; minus strand). Cytogenetic location: 16q22.1.
Variant type: single nucleotide variant.
Coding change: c.1514C>T on transcript NM_001605.3 (MANE Select); coding-DNA position 1514, C replaced by T.
Protein change: p.Thr505Met; replaces threonine 505 with methionine.
Molecular consequence: missense variant.
Genome position (GRCh38, 1-based): chr16:70,262,503, G>A on the plus strand (C>T on the coding strand, the complement: AARS1 is on the minus strand). VCF-style: chr16-70262503-G-A. GRCh37 (hg19) VCF-style: chr16-70296406-G-A.
Other names: short protein forms T505M.
Identifiers: ClinVar variation 1333873 (VCV001333873.5), dbSNP rs755492122, ClinGen allele CA8140770.

ClinVar aggregate classification (germline): Uncertain significance. Review status: criteria provided, multiple submitters, no conflicts (2 of 4 stars). 4 submissions from 4 submitters: Uncertain significance (4). Last evaluated 2026-01-21.

Conditions:
Charcot-Marie-Tooth disease type 2. Also called: Charcot-Marie-Tooth type 2. Identifiers: Orphanet 64746, MedGen C0270914, MONDO:0018993.
Inborn genetic diseases. Identifiers: MedGen C0950123, MeSH D030342.
Charcot-Marie-Tooth disease axonal type 2N (CMT2N). Also called: CHARCOT-MARIE-TOOTH DISEASE, AXONAL, AUTOSOMAL DOMINANT, TYPE 2N; CHARCOT-MARIE-TOOTH NEUROPATHY, AXONAL, TYPE 2N; Charcot-Marie-Tooth Neuropathy Type 2N. Identifiers: Orphanet 228174, MedGen C2750090, MONDO:0013212, OMIM 613287.

Allele frequency attached by ClinVar (database versions not stated): gnomAD exomes below 0.00001; ExAC 0.00001; gnomAD 0.00001.
gnomAD v4.1: 6 of 1,613,270 alleles (0.00037%); highest among the groups gnomAD compares: Admixed American, 0.0017%; no homozygotes.

Submissions (4):

Ambry Genetics
Classification: Uncertain significance for Inborn genetic diseases. Last evaluated: 2026-01-21. Review status: criteria provided, single submitter. Criteria: Ambry Variant Classification Scheme 2023. Collection method: clinical testing. Allele origin: germline.
Comment: The c.1514C>T (p.T505M) alteration is located in exon 12 (coding exon 11) of the AARS gene. This alteration results from a C to T substitution at nucleotide position 1514, causing the threonine (T) at amino acid position 505 to be replaced by a methionine (M). Based on data from gnomAD, the T allele has an overall frequency of <0.001% (1/250566) total alleles studied. The highest observed frequency was 0.003% (1/30570) of South Asian alleles. Based on insufficient or conflicting evidence, the clinical significance of this alteration remains unclear.

Labcorp Genetics (formerly Invitae), Labcorp
Classification: Uncertain significance for Charcot-Marie-Tooth disease type 2. Last evaluated: 2024-05-04. Review status: criteria provided, single submitter. Criteria: Invitae Variant Classification Sherloc (09022015). Collection method: clinical testing. Allele origin: germline.
Comment: This sequence change replaces threonine, which is neutral and polar, with methionine, which is neutral and non-polar, at codon 505 of the AARS protein (p.Thr505Met). This variant is present in population databases (rs755492122, gnomAD 0.003%). This variant has not been reported in the literature in individuals affected with AARS-related conditions. ClinVar contains an entry for this variant (Variation ID: 1333873). Advanced modeling of protein sequence and biophysical properties (such as structural, functional, and spatial information, amino acid conservation, physicochemical variation, residue mobility, and thermodynamic stability) performed at Invitae indicates that this missense variant is not expected to disrupt AARS protein function with a negative predictive value of 80%. In summary, the available evidence is currently insufficient to determine the role of this variant in disease. Therefore, it has been classified as a Variant of Uncertain Significance.

Baylor Genetics
Classification: Uncertain significance for Charcot-Marie-Tooth disease axonal type 2N. Last evaluated: 2023-01-09. Review status: criteria provided, single submitter. Criteria: ACMG Guidelines, 2015. Collection method: clinical testing. Allele origin: unknown.

CENTOGENE GmbH and LLC - Guiding Precision Medicine
Classification: Uncertain significance for Charcot-Marie-Tooth disease axonal type 2N. Last evaluated: 2020-09-30. Review status: criteria provided, single submitter. Criteria: ACMG Guidelines, 2015. Collection method: clinical testing. Allele origin: germline. Affected: yes.